The following is an entry in ClinVar:

NM_021110.4(COL14A1):c.4686G>A (p.Ser1562=)

Gene: COL14A1 (collagen type XIV alpha 1 chain; plus strand). Cytogenetic location: 8q24.12.
Variant type: single nucleotide variant.
Coding change: c.4686G>A on transcript NM_021110.4 (MANE Select); coding-DNA position 4686, G replaced by A.
Protein change: p.Ser1562=; no amino-acid change (serine 1562 retained).
Molecular consequence: synonymous variant.
Genome position (GRCh38, 1-based): chr8:120,332,167, G>A. VCF-style: chr8-120332167-G-A. GRCh37 (hg19) VCF-style: chr8-121344406-G-A.
Other names: c.4686G>A, p.Ser1562= (NM_001413491.1, NM_001413492.1, NM_001413493.1 and 3 more transcripts); c.4599G>A, p.Ser1533= (NM_001413495.1, NM_001413498.1); c.2334G>A, p.Ser778= (NM_001413499.1, NM_001413500.1).
Identifiers: ClinVar variation 2658786 (VCV002658786.24), dbSNP rs202201394, ClinGen allele CA4859964.

ClinVar aggregate classification (germline): Likely benign (1 of 4 stars; one submission).

Allele frequency attached by ClinVar (database versions not stated): ESP Exome Variant Server 0.00015; TOPMed 0.00019; gnomAD 0.00022; gnomAD exomes 0.00034; ExAC 0.00043; 1000 Genomes Project 0.00080; 1000 Genomes Project 30x 0.00094.
gnomAD v4.1: 533 of 1,614,002 alleles (0.033%); highest among the groups gnomAD compares: South Asian, 0.2%; 4 homozygotes.

Submission:

CeGaT Center for Human Genetics Tuebingen
Classification: Likely benign. Last evaluated: 2022-07-01. Review status: criteria provided, single submitter. Criteria: CeGaT Center For Human Genetics Tuebingen Variant Classification Criteria Version 2. Collection method: clinical testing. Allele origin: germline. Affected: yes. Observed: 1 variant allele.
Comment: COL14A1: BP4, BP7